The following is an entry in ClinVar:

NM_001134363.3(RBM20):c.642G>T (p.Leu214Phe)

Gene: RBM20 (RNA binding motif protein 20; plus strand). Cytogenetic location: 10q25.2.
Variant type: single nucleotide variant.
Coding change: c.642G>T on transcript NM_001134363.3 (MANE Select); coding-DNA position 642, G replaced by T.
Protein change: p.Leu214Phe; replaces leucine 214 with phenylalanine.
Molecular consequence: missense variant.
Genome position (GRCh38, 1-based): chr10:110,781,251, G>T. VCF-style: chr10-110781251-G-T. GRCh37 (hg19) VCF-style: chr10-112541009-G-T.
Other names: short protein forms L214F.
Identifiers: ClinVar variation 4530011 (VCV004530011.1).
Genomic context (GRCh38, chr10:110,781,251, plus strand): 5'-GGTGATGCATCCTTTCACTGGGGTAATGCCTCAGACCCCTGGCCAGCCAGCAGTCATCTT[G>T]GGCATTGGCAAGACTGGGCCTGCTCCAGCTACAGCAGGATTCTATGAGTATGGCAAAGCC-3'
Protein context (NP_001127835.2, residues 204-224): PQTPGQPAVI[Leu214Phe]GIGKTGPAPA

ClinVar aggregate classification (germline): Uncertain significance (1 of 4 stars; one submission).

Submission:

GeneDx
Classification: Uncertain significance. Last evaluated: 2025-05-14. Review status: criteria provided, single submitter. Criteria: GeneDx Variant Classification Process June 2021. Collection method: clinical testing. Allele origin: germline. Affected: yes.
Comment: Not observed at significant frequency in large population cohorts (gnomAD); In silico analysis suggests that this missense variant does not alter protein structure/function; Has not been previously published as pathogenic or benign to our knowledge